The following is an entry in ClinVar:

ClinVar aggregate classification (germline): Uncertain significance. Review status: criteria provided, multiple submitters, no conflicts (2 of 4 stars). 2 submissions from 2 submitters: Uncertain significance (2). Last evaluated 2026-09-18.

Conditions:
Joubert syndrome. Also called: Familial aplasia of the vermis; JOUBERT-BOLTSHAUSER SYNDROME. Identifiers: Orphanet 475, MedGen C5979921, MONDO:0018772.
INPP5E-related disorder. Also called: INPP5E-related condition.

Allele frequency attached by ClinVar (database versions not stated): gnomAD exomes below 0.00001.
gnomAD v4.1: 1 of 1,601,100 alleles (0.000062%); highest among the groups gnomAD compares: Non-Finnish European, 0.000085%; no homozygotes.

Submissions (2):

PreventionGenetics, part of Exact Sciences
Classification: Uncertain significance for INPP5E-related condition. Last evaluated: 2026-09-18. Review status: criteria provided, single submitter. Criteria: ACMG Guidelines, 2015. Collection method: clinical testing. Allele origin: germline.
Comment: The INPP5E c.724C>T variant is predicted to result in the amino acid substitution p.Pro242Ser. To our knowledge, this variant has not been reported in the literature or in a large population database (gnomAD), indicating this variant is rare. At this time, the clinical significance of this variant is uncertain due to the absence of conclusive functional and genetic evidence.

Labcorp Genetics (formerly Invitae), Labcorp
Classification: Uncertain significance for Joubert syndrome. Last evaluated: 2020-03-05. Review status: criteria provided, single submitter. Criteria: Invitae Variant Classification Sherloc (09022015). Collection method: clinical testing. Allele origin: germline.
Comment: This sequence change replaces proline with serine at codon 242 of the INPP5E protein (p.Pro242Ser). The proline residue is moderately conserved and there is a moderate physicochemical difference between proline and serine. This variant is not present in population databases (ExAC no frequency). This variant has not been reported in the literature in individuals with INPP5E-related conditions. Algorithms developed to predict the effect of missense changes on protein structure and function output the following: SIFT: "Tolerated"; PolyPhen-2: "Benign"; Align-GVGD: "Class C0". The serine amino acid residue is found in multiple mammalian species, suggesting that this missense change does not adversely affect protein function. These predictions have not been confirmed by published functional studies and their clinical significance is uncertain. In summary, the available evidence is currently insufficient to determine the role of this variant in disease. Therefore, it has been classified as a Variant of Uncertain Significance.

NM_019892.6(INPP5E):c.724C>T (p.Pro242Ser)

Gene: INPP5E (inositol polyphosphate-5-phosphatase E; minus strand). Cytogenetic location: 9q34.3.
Variant type: single nucleotide variant.
Coding change: c.724C>T on transcript NM_019892.6 (MANE Select); coding-DNA position 724, C replaced by T.
Protein change: p.Pro242Ser; replaces proline 242 with serine.
Molecular consequence: missense variant.
Genome position (GRCh38, 1-based): chr9:136,438,696, G>A on the plus strand (C>T on the coding strand, the complement: INPP5E is on the minus strand). VCF-style: chr9-136438696-G-A. GRCh37 (hg19) VCF-style: chr9-139333148-G-A.
Other names: c.724C>T (NM_019892.5); c.724C>T, p.Pro242Ser (NM_001318502.2); short protein forms P242S.
Identifiers: ClinVar variation 1040080 (VCV001040080.12), dbSNP rs1835897617, ClinGen allele CA375567844.